The following is an entry in ClinVar:

ClinVar aggregate classification (germline): Uncertain significance (1 of 4 stars; one submission).

Allele frequency attached by ClinVar (database versions not stated): gnomAD 0.00001.
gnomAD v4.1: 9 of 1,551,868 alleles (0.00058%); highest among the groups gnomAD compares: Admixed American, 0.016%; no homozygotes.

Submission:

Labcorp Genetics (formerly Invitae), Labcorp
Classification: Uncertain significance. Last evaluated: 2022-01-04. Review status: criteria provided, single submitter. Criteria: Invitae Variant Classification Sherloc (09022015). Collection method: clinical testing. Allele origin: germline.
Comment: This sequence change replaces asparagine, which is neutral and polar, with serine, which is neutral and polar, at codon 806 of the SLC24A1 protein (p.Asn806Ser). This variant is present in population databases (no rsID available, gnomAD 0.02%). This variant has not been reported in the literature in individuals affected with SLC24A1-related conditions. Algorithms developed to predict the effect of missense changes on protein structure and function output the following: SIFT: "Tolerated"; PolyPhen-2: "Benign"; Align-GVGD: "Class C0". The serine amino acid residue is found in multiple mammalian species, which suggests that this missense change does not adversely affect protein function. In summary, the available evidence is currently insufficient to determine the role of this variant in disease. Therefore, it has been classified as a Variant of Uncertain Significance.

NM_004727.3(SLC24A1):c.2417A>G (p.Asn806Ser)

Gene: SLC24A1 (solute carrier family 24 member 1; plus strand). Cytogenetic location: 15q22.31.
Variant type: single nucleotide variant.
Coding change: c.2417A>G on transcript NM_004727.3 (MANE Select); coding-DNA position 2417, A replaced by G.
Protein change: p.Asn806Ser; replaces asparagine 806 with serine.
Molecular consequence: missense variant.
Genome position (GRCh38, 1-based): chr15:65,650,566, A>G. VCF-style: chr15-65650566-A-G. GRCh37 (hg19) VCF-style: chr15-65942904-A-G.
Other names: c.398A>G, p.Asn133Ser (NM_001254740.2); c.2417A>G, p.Asn806Ser (NM_001301031.1); c.2363A>G, p.Asn788Ser (NM_001301032.1, NM_001301033.2); short protein forms N133S, N806S, N788S.
Identifiers: ClinVar variation 1437993 (VCV001437993.5), dbSNP rs1393504574, ClinGen allele CA392899278.